The following is an entry in ClinVar:

ClinVar aggregate classification (germline): Uncertain significance (1 of 4 stars; one submission).

Allele frequency attached by ClinVar (database versions not stated): gnomAD exomes below 0.00001.
gnomAD v4.1: 1 of 1,614,034 alleles (0.000062%); highest among the groups gnomAD compares: Admixed American, 0.0017%; no homozygotes.

Submission:

Labcorp Genetics (formerly Invitae), Labcorp
Classification: Uncertain significance. Last evaluated: 2025-06-10. Review status: criteria provided, single submitter. Criteria: Invitae Variant Classification Sherloc (09022015). Collection method: clinical testing. Allele origin: germline.
Comment: This sequence change replaces glycine, which is neutral and non-polar, with valine, which is neutral and non-polar, at codon 1838 of the VCAN protein (p.Gly1838Val). This variant is not present in population databases (gnomAD no frequency). This variant has not been reported in the literature in individuals affected with VCAN-related conditions. ClinVar contains an entry for this variant (Variation ID: 2097669). An algorithm developed to predict the effect of missense changes on protein structure and function (PolyPhen-2) suggests that this variant is likely to be disruptive. In summary, the available evidence is currently insufficient to determine the role of this variant in disease. Therefore, it has been classified as a Variant of Uncertain Significance.

NM_004385.5(VCAN):c.5513G>T (p.Gly1838Val)

Genes: VCAN (versican; plus strand), VCAN-AS1 (VCAN antisense RNA 1; minus strand). Cytogenetic location: 5q14.3.
Variant type: single nucleotide variant.
Coding change: c.5513G>T on transcript NM_004385.5 (MANE Select); coding-DNA position 5513, G replaced by T.
Protein change: p.Gly1838Val; replaces glycine 1838 with valine.
Molecular consequence: missense variant. On other transcripts: intron variant (2).
Genome position (GRCh38, 1-based): chr5:83,538,516, G>T. VCF-style: chr5-83538516-G-T. GRCh37 (hg19) VCF-style: chr5-82834335-G-T.
Other names: c.2552G>T, p.Gly851Val (NM_001164097.2); c.4004-7021G>T (NM_001164098.2); c.1043-7021G>T (NM_001126336.3); short protein forms G1838V, G851V.
Identifiers: ClinVar variation 2097669 (VCV002097669.4), dbSNP rs764239223, ClinGen allele CA360310572.
Genomic context (GRCh38, chr5:83,538,516, plus strand): 5'-AGGAAGGGCTGACCACTCTCCCACGTAGTCCTGCCTCTGTCTTTATGGAGCAGGGCTCTG[G>T]AGAAGCTGCTGCCGACCCAGAAACCACCACTGTTTCTTCATTTTCATTAAACGTAGAGTA-3'
Protein context (NP_004376.2, residues 1828-1848): PASVFMEQGS[Gly1838Val]EAAADPETTT